The following is an entry in ClinVar:

NM_016026.4(RDH11):c.854+5G>A

Genes: GPHN (gephyrin; plus strand), RDH11 (retinol dehydrogenase 11; minus strand). Cytogenetic location: 14q24.1.
Variant type: single nucleotide variant.
Coding change: c.854+5G>A on transcript NM_016026.4 (MANE Select); 5 bases into the intron after coding-DNA position 854, G replaced by A.
Molecular consequence: intron variant.
Genome position (GRCh38, 1-based): chr14:67,685,010, C>T on the plus strand (G>A on the coding strand, the complement: RDH11 is on the minus strand). VCF-style: chr14-67685010-C-T. GRCh37 (hg19) VCF-style: chr14-68151727-C-T.
Other names: c.644+5G>A (NM_001252650.2).
Identifiers: ClinVar variation 1354949 (VCV001354949.6), dbSNP rs1482203386, ClinGen allele CA614768148.

ClinVar aggregate classification (germline): Uncertain significance (1 of 4 stars; one submission).

Allele frequency attached by ClinVar (database versions not stated): gnomAD exomes below 0.00001; gnomAD 0.00001; TOPMed 0.00002.
gnomAD v4.1: 12 of 1,601,838 alleles (0.00075%); highest among the groups gnomAD compares: African/African-American, 0.0013%; no homozygotes.

Submission:

Labcorp Genetics (formerly Invitae), Labcorp
Classification: Uncertain significance. Last evaluated: 2021-08-22. Review status: criteria provided, single submitter. Criteria: Invitae Variant Classification Sherloc (09022015). Collection method: clinical testing. Allele origin: germline.
Comment: Variants that disrupt the consensus splice site are a relatively common cause of aberrant splicing (PMID: 17576681, 9536098). Algorithms developed to predict the effect of sequence changes on RNA splicing suggest that this variant may disrupt the consensus splice site. In summary, the available evidence is currently insufficient to determine the role of this variant in disease. Therefore, it has been classified as a Variant of Uncertain Significance. This variant has not been reported in the literature in individuals affected with RDH11-related conditions. This variant is not present in population databases (ExAC no frequency). This sequence change falls in intron 6 of the RDH11 gene. It does not directly change the encoded amino acid sequence of the RDH11 protein. It affects a nucleotide within the consensus splice site of the intron.

Literature cited by the submitters: PubMed 17576681; PubMed 9536098.